The following is an entry in ClinVar:

ClinVar aggregate classification (germline): Pathogenic. Review status: reviewed by expert panel (3 of 4 stars). 13 submissions from 13 submitters: Pathogenic (1). 12 of the submissions do not count toward it. Last evaluated 2016-09-08.

Conditions:
Hereditary breast ovarian cancer syndrome. Also called: Hereditary breast and ovarian cancer syndrome; Hereditary breast and ovarian cancer; Hereditary breast and ovarian cancer syndrome (HBOC); Breast and ovarian cancer; Hereditary breast and/or ovarian cancer syndrome; BRCA1- and BRCA2-Associated Hereditary Breast and Ovarian Cancer. Identifiers: Orphanet 145, MedGen C0677776, MeSH D061325, MONDO:0003582. Disease mechanism: loss of function.
Breast-ovarian cancer, familial, susceptibility to, 2 (BROVCA2). Also called: BRCA2 Hereditary Breast and Ovarian Cancer. Identifiers: Orphanet 145, MedGen C2675520, MONDO:0012933, OMIM 612555. Disease mechanism: loss of function.
Hereditary cancer-predisposing syndrome. Also called: Neoplastic Syndromes, Hereditary; Tumor predisposition; Hereditary Cancer Syndrome; Hereditary neoplastic syndrome. Identifiers: Orphanet 140162, MedGen C0027672, MeSH D009386, MONDO:0015356.
Familial cancer of breast. Also called: BREAST CANCER, FAMILIAL; Hereditary breast cancer; hereditary breast carcinoma. Identifiers: Orphanet 227535, MedGen C0346153, MONDO:0016419, OMIM 114480. Disease mechanism: loss of function.

Submissions (13):

Evidence-based Network for the Interpretation of Germline Mutant Alleles (ENIGMA)
Classification: Pathogenic for Breast-ovarian cancer, familial, susceptibility to, 2. Last evaluated: 2016-09-08. Review status: reviewed by expert panel. Criteria: ENIGMA BRCA1/2 Classification Criteria (2015). Collection method: curation. Allele origin: germline.
Comment: Variant allele predicted to encode a truncated non-functional protein.

Labcorp Genetics (formerly Invitae), Labcorp
Classification: Pathogenic for Hereditary breast ovarian cancer syndrome. Last evaluated: 2024-11-13. Review status: criteria provided, single submitter. Criteria: Invitae Variant Classification Sherloc (09022015). Collection method: clinical testing. Allele origin: germline. Not counted in ClinVar's aggregate classification.
Comment: This sequence change creates a premature translational stop signal (p.Thr1378Argfs*9) in the BRCA2 gene. It is expected to result in an absent or disrupted protein product. Loss-of-function variants in BRCA2 are known to be pathogenic (PMID: 20104584). This variant is not present in population databases (gnomAD no frequency). This premature translational stop signal has been observed in individual(s) with breast and/or ovarian cancer (PMID: 22460208). ClinVar contains an entry for this variant (Variation ID: 51602). For these reasons, this variant has been classified as Pathogenic.

GeneDx
Classification: Pathogenic. Last evaluated: 2024-03-25. Review status: criteria provided, single submitter. Criteria: GeneDx Variant Classification Process June 2021. Collection method: clinical testing. Allele origin: germline. Affected: yes. Not counted in ClinVar's aggregate classification.
Comment: Frameshift variant predicted to result in protein truncation or nonsense mediated decay in a gene for which loss of function is a known mechanism of disease; Not observed at significant frequency in large population cohorts (gnomAD); Truncating variants in this gene are considered pathogenic by a well-established clinical consortium and/or database; Also known as 4361del4; This variant is associated with the following publications: (PMID: 31853058, 18824701, 32438681, 20104584, 29446198, 19340607, 22460208, 36292577, 36324133, 12097257)

Color Diagnostics, LLC DBA Color Health
Classification: Pathogenic for Hereditary cancer-predisposing syndrome. Last evaluated: 2024-01-29. Review status: criteria provided, single submitter. Criteria: ACMG Guidelines, 2015. Collection method: clinical testing. Allele origin: germline. Not counted in ClinVar's aggregate classification.
Comment: This variant deletes 4 nucleotides in exon 11 of the BRCA2 gene, creating a frameshift and premature translation stop signal. This variant is expected to result in an absent or non-functional protein product. This variant has been observed in at least two individuals affected with breast cancer (PMID: 18824701, 19340607, 36324133), two individuals affected with ovarian cancer (PMID: 32438681) and suspected hereditary breast and ovarian cancer families (PMID: 22460208, 36292577). This variant has not been identified in the general population by the Genome Aggregation Database (gnomAD). Loss of BRCA2 function is a known mechanism of disease. Based on the available evidence, this variant is classified as Pathogenic.

Ambry Genetics
Classification: Pathogenic for Hereditary cancer-predisposing syndrome. Last evaluated: 2023-04-25. Review status: criteria provided, single submitter. Criteria: Ambry Variant Classification Scheme 2023. Collection method: clinical testing. Allele origin: germline. Not counted in ClinVar's aggregate classification.
Comment: The c.4133_4136delCTCA pathogenic mutation, located in coding exon 10 of the BRCA2 gene, results from a deletion of 4 nucleotides at nucleotide positions 4133 to 4136, causing a translational frameshift with a predicted alternate stop codon (p.T1378Rfs*9). This alteration is expected to result in loss of function by premature protein truncation or nonsense-mediated mRNA decay. As such, this alteration is interpreted as a disease-causing mutation.

Baylor Genetics
Classification: Pathogenic for Familial cancer of breast. Last evaluated: 2023-01-31. Review status: criteria provided, single submitter. Criteria: ACMG Guidelines, 2015. Collection method: clinical testing. Allele origin: unknown. Not counted in ClinVar's aggregate classification.

Revvity Omics, Revvity
Classification: Likely pathogenic. Last evaluated: 2022-10-05. Review status: criteria provided, single submitter. Criteria: ACMG Guidelines, 2015. Collection method: clinical testing. Allele origin: germline. Not counted in ClinVar's aggregate classification.

Sema4
Classification: Pathogenic for Hereditary cancer-predisposing syndrome. Last evaluated: 2020-12-10. Review status: criteria provided, single submitter. Criteria: Sema4 Curation Guidelines. Collection method: curation. Allele origin: germline. Not counted in ClinVar's aggregate classification.
Comment: The BRCA2 c.4133_4136delCTCA (p.T1378RfsX9) variant has been reported in heterozygosity in multiple individuals with breast and/or ovarian cancer (PMID: 29446198, 22460208, 32438681). This variant causes a frameshift at amino acid 1378 that results in premature termination 9 amino acids downstream. At this location, this is predicted to cause nonsense-mediated decay and result in an absent protein (loss of function). Loss of function variants in BRCA2 are known to be pathogenic (PMID: 29446198). This variant is not reported in the population database Genome Aggregation Database (PMID: 27535533). This variant has been classified as pathogenic by a ClinGen-approved expert panel. Based on the current evidence available, this variant is interpreted as pathogenic.

Women's Health and Genetics/Laboratory Corporation of America, LabCorp
Classification: Pathogenic for Hereditary breast and ovarian cancer syndrome. Last evaluated: 2020-10-29. Review status: criteria provided, single submitter. Criteria: LabCorp Variant Classification Summary - May 2015. Collection method: clinical testing. Allele origin: germline. Not counted in ClinVar's aggregate classification.
Comment: Variant summary: BRCA2 c.4133_4136delCTCA (p.Thr1378ArgfsX9) results in a premature termination codon, predicted to cause a truncation of the encoded protein or absence of the protein due to nonsense mediated decay, which are commonly known mechanisms for disease. Truncations downstream of this position have been classified as pathogenic by our laboratory. The variant was absent in 246502 control chromosomes. c.4133_4136delCTCA has been reported in the literature in multiple individuals affected with Hereditary Breast And Ovarian Cancer Syndrome (e.g. Sinclair_2002, Spearman_2008, Beristain_2010, Rebbeck_2018). These data indicate that the variant is very likely to be associated with disease. To our knowledge, no experimental evidence demonstrating an impact on protein function has been reported. Five ClinVar submitters (including two expert panels) have cited the variant as pathogenic (evaluation after 2014). Based on the evidence outlined above, the variant was classified as pathogenic.

Consortium of Investigators of Modifiers of BRCA1/2 (CIMBA), c/o University of Cambridge
Classification: Pathogenic for Breast-ovarian cancer, familial, susceptibility to, 2. Last evaluated: 2015-10-02. Review status: criteria provided, single submitter. Criteria: CIMBA Mutation Classification guidelines May 2016. Collection method: clinical testing. Allele origin: germline. Not counted in ClinVar's aggregate classification.

Molecular Oncology, Hospital Universitario Central de Asturias (HUCA)
Classification: Pathogenic for Breast-ovarian cancer, familial, susceptibility to, 2. Last evaluated: 2021-05-24. Review status: no assertion criteria provided. Collection method: case-control. Allele origin: germline. Affected: yes. Not counted in ClinVar's aggregate classification.

Research Molecular Genetics Laboratory, Women's College Hospital, University of Toronto
Classification: Pathogenic for Hereditary breast ovarian cancer syndrome. Last evaluated: 2014-01-31. Review status: no assertion criteria provided. Collection method: research. Allele origin: germline. Affected: yes. Study: The Canadian Open Genetics Repository (COGR). Not counted in ClinVar's aggregate classification.

Breast Cancer Information Core (BIC) (BRCA2)
Classification: Pathogenic for Breast-ovarian cancer, familial 2. Last evaluated: 2002-05-29. Review status: no assertion criteria provided. Collection method: clinical testing. Allele origin: germline. Affected: yes. Observed: 3 variant alleles. Not counted in ClinVar's aggregate classification.

Literature cited by the submitters: PubMed 20104584 (cited by Labcorp Genetics (formerly Invitae), Labcorp); PubMed 22460208 (cited by 4 submitters); PubMed 18824701 (cited by Color Diagnostics, LLC DBA Color Health and Women's Health and Genetics/Laboratory Corporation of America, LabCorp); PubMed 19340607 (cited by Color Diagnostics, LLC DBA Color Health); PubMed 32438681 (cited by Color Diagnostics, LLC DBA Color Health and Sema4); PubMed 36292577 (cited by Color Diagnostics, LLC DBA Color Health); PubMed 36324133 (cited by Color Diagnostics, LLC DBA Color Health); PubMed 29446198 (cited by Sema4 and Women's Health and Genetics/Laboratory Corporation of America, LabCorp); PubMed 12097257 (cited by Women's Health and Genetics/Laboratory Corporation of America, LabCorp); PubMed 38922859 (cited by Molecular Oncology, Hospital Universitario Central de Asturias (HUCA)).

NM_000059.4(BRCA2):c.4133_4136del (p.Thr1378fs)

Gene: BRCA2 (BRCA2 DNA repair associated; plus strand). Cytogenetic location: 13q13.1.
Variant type: Deletion.
Coding change: c.4133_4136del on transcript NM_000059.4 (MANE Select); coding-DNA positions 4133 to 4136, 4 bases deleted (CTCA; older notation c.4133_4136delCTCA).
Protein change: p.Thr1378fs; shifts the reading frame from threonine 1378.
Molecular consequence: frameshift variant.
Genome position (GRCh38, 1-based): chr13:32,338,488-32,338,491, CTCA deleted; deleting any 4 consecutive bases within chr13:32,338,486-32,338,491 gives the same sequence; the c. name uses the placement nearest the transcript's 3' end. VCF-style (leftmost placement, unchanged base first): chr13-32338485-ACACT-A. GRCh37 (hg19) VCF-style: chr13-32912622-ACACT-A.
Other names: 4361del4; c.4133_4136delCTCA (NM_000059.3).
Identifiers: ClinVar variation 51602 (VCV000051602.28), dbSNP rs80359430, ClinGen allele CA019576.